The following is an entry in ClinVar:

NM_004329.3(BMPR1A):c.1098A>G (p.Lys366=)

Gene: BMPR1A (bone morphogenetic protein receptor type 1A; plus strand). Cytogenetic location: 10q23.2.
Variant type: single nucleotide variant.
Coding change: c.1098A>G on transcript NM_004329.3 (MANE Select); coding-DNA position 1098, A replaced by G.
Protein change: p.Lys366=; no amino-acid change (lysine 366 retained).
Molecular consequence: synonymous variant. On other transcripts: non-coding transcript variant (3).
Genome position (GRCh38, 1-based): chr10:86,919,401, A>G. VCF-style: chr10-86919401-A-G. GRCh37 (hg19) VCF-style: chr10-88679158-A-G.
Other names: c.1173A>G, p.Lys391= (NM_001406559.1); c.1146A>G, p.Lys382= (NM_001406560.1); c.1098A>G, p.Lys366= (NM_001406561.1, NM_001406562.1, NM_001406563.1 and 19 more transcripts); c.1092A>G, p.Lys364= (NM_001406583.1); c.1014A>G, p.Lys338= (NM_001406584.1, NM_001406585.1, NM_001406586.1 and 2 more transcripts); c.756A>G, p.Lys252= (NM_001406589.1).
Identifiers: ClinVar variation 3378575 (VCV003378575.1).

ClinVar aggregate classification (germline): Benign (1 of 4 stars; one submission).

Conditions:
Juvenile polyposis syndrome (JPS). Identifiers: Orphanet 2929, MedGen C0345893, MONDO:0017380, OMIM 174900.

Submission:

Myriad Genetics, Inc.
Classification: Benign for Juvenile polyposis syndrome. Last evaluated: 2024-08-06. Review status: criteria provided, single submitter. Criteria: Myriad Autosomal Dominant, Autosomal Recessive and X-Linked Classification Criteria (2023). Collection method: clinical testing. Allele origin: unknown.
Comment: This variant is considered benign. This variant is a silent/synonymous amino acid change and it is not expected to impact splicing.